The following is an entry in ClinVar:

ClinVar aggregate classification (germline): Conflicting classifications of pathogenicity. Review status: criteria provided, conflicting classifications (1 of 4 stars). 2 submissions from 2 submitters: Uncertain significance (1); Likely benign (1). Last evaluated 2025-08-30.

Conditions:
Familial cancer of breast. Also called: BREAST CANCER, FAMILIAL; hereditary breast carcinoma; Hereditary breast cancer. Identifiers: Orphanet 227535, MedGen C0346153, MONDO:0016419, OMIM 114480. Disease mechanism: loss of function.
Ataxia-telangiectasia syndrome (AT). Also called: LOUIS-BAR SYNDROME; Cerebello-oculocutaneous telangiectasia; Immunodeficiency with ataxia telangiectasia; AT, COMPLEMENTATION GROUP C; Ataxia-telangiectasia, complementation group D; ATAXIA-TELANGIECTASIA, COMPLEMENTATION GROUP A. Identifiers: Orphanet 100, MedGen C0004135, MONDO:0008840, OMIM 208900.

Submissions (2):

Labcorp Genetics (formerly Invitae), Labcorp
Classification: Uncertain significance for Ataxia-telangiectasia syndrome. Last evaluated: 2025-08-30. Review status: criteria provided, single submitter. Criteria: Invitae Variant Classification Sherloc (09022015). Collection method: clinical testing. Allele origin: germline.
Comment: This sequence change falls in intron 34 of the ATM gene. It does not directly change the encoded amino acid sequence of the ATM protein. RNA analysis indicates that this variant induces altered splicing and may result in an absent or altered protein product. This variant is not present in population databases (gnomAD no frequency). This variant has not been reported in the literature in individuals affected with ATM-related conditions. ClinVar contains an entry for this variant (Variation ID: 3253789). Studies have shown that this variant results in skipping of exon 35, and produces a non-functional protein and/or introduces a premature termination codon (internal data). In summary, the available evidence is currently insufficient to determine the role of this variant in disease. Therefore, it has been classified as a Variant of Uncertain Significance.

Myriad Genetics, Inc.
Classification: Likely benign for Familial cancer of breast. Last evaluated: 2024-05-22. Review status: criteria provided, single submitter. Criteria: Myriad Autosomal Dominant, Autosomal Recessive and X-Linked Classification Criteria (2023). Collection method: clinical testing. Allele origin: unknown.
Comment: This variant is considered likely benign. This variant is intronic and is not expected to impact mRNA splicing.

NM_000051.4(ATM):c.5178-6T>C

Gene: ATM (ATM serine/threonine kinase; plus strand). Cytogenetic location: 11q22.3.
Variant type: single nucleotide variant.
Coding change: c.5178-6T>C on transcript NM_000051.4 (MANE Select); 6 bases into the intron before coding-DNA position 5178, T replaced by C.
Molecular consequence: intron variant.
Genome position (GRCh38, 1-based): chr11:108,301,642, T>C. VCF-style: chr11-108301642-T-C. GRCh37 (hg19) VCF-style: chr11-108172369-T-C.
Other names: c.5178-6T>C (NM_001351834.2).
Identifiers: ClinVar variation 3253789 (VCV003253789.3), dbSNP rs2546972568.